The following is an entry in ClinVar:

NM_000535.7(PMS2):c.2555del (p.His852fs)

Gene: PMS2 (PMS1 homolog 2, mismatch repair system component; minus strand). Cytogenetic location: 7p22.1.
Variant type: Deletion.
Coding change: c.2555del on transcript NM_000535.7 (MANE Select); coding-DNA position 2555, one base deleted (A; older notation c.2555delA).
Protein change: p.His852fs; shifts the reading frame from histidine 852.
Molecular consequence: frameshift variant. On other transcripts: non-coding transcript variant (1).
Genome position (GRCh38, 1-based): chr7:5,973,433, T deleted on the plus strand (A on the coding strand, the reverse complement: PMS2 is on the minus strand). VCF-style (leftmost placement, unchanged base first): chr7-5973432-GT-G. GRCh37 (hg19) VCF-style: chr7-6013063-GT-G.
Other names: c.2150delA, p.His717Profs (NM_001018040.1, NM_001406889.1, NM_001406890.1 and 9 more transcripts); c.2150del, p.His717fs (NM_001322003.2, NM_001322004.2, NM_001322005.2); c.2399del, p.His800fs (NM_001322006.2); c.2237del, p.His746fs (NM_001322007.2, NM_001322008.2); c.2183del, p.His728fs (NM_001322009.2); c.1994del, p.His665fs (NM_001322010.2); c.1622del, p.His541fs (NM_001322011.2, NM_001322012.2); c.1982del, p.His661fs (NM_001322013.2); and 26 more; short protein forms H665fs, H852fs, H661fs, H717fs, H746fs, H749fs, H800fs, H728fs.
Identifiers: ClinVar variation 1793006 (VCV001793006.2), dbSNP rs2535179997, ClinGen allele CA2580076749.

ClinVar aggregate classification (germline): Likely pathogenic (1 of 4 stars; one submission).

Conditions:
Hereditary cancer-predisposing syndrome. Also called: Tumor predisposition; Hereditary Cancer Syndrome; Neoplastic Syndromes, Hereditary; Hereditary neoplastic syndrome. Identifiers: Orphanet 140162, MedGen C0027672, MeSH D009386, MONDO:0015356.

Submission:

Ambry Genetics
Classification: Likely pathogenic for Hereditary cancer-predisposing syndrome. Last evaluated: 2022-04-26. Review status: criteria provided, single submitter. Criteria: Ambry Variant Classification Scheme 2023. Collection method: clinical testing. Allele origin: germline.
Comment: The c.2555delA variant, located in coding exon 15 of the PMS2 gene, results from a deletion of one nucleotide at nucleotide position 2555, causing a translational frameshift with a predicted alternate stop codon (p.H852Pfs*19). This alteration occurs at the 3' terminus of thePMS2 gene, is not expected to trigger nonsense-mediated mRNAdecay and results in the elongation of the protein by 7 amino acids. This frameshift impacts the last 11amino acids of the native protein. However, frameshifts are typically deleterious in nature and the impacted region is critical for protein function by disrupting protein-protein interaction (Ambry internal data). This variant is considered to be rare based on population cohorts in the Genome Aggregation Database (gnomAD). Based on the majority of available evidence to date, this variant is likely to be pathogenic.